The following is an entry in ClinVar:

NM_006767.4(LZTR1):c.326_327del (p.Phe109fs)

Gene: LZTR1 (leucine zipper like post translational regulator 1; plus strand). Cytogenetic location: 22q11.21.
Variant type: Deletion.
Coding change: c.326_327del on transcript NM_006767.4 (MANE Select); coding-DNA positions 326 to 327, 2 bases deleted (TT; older notation c.326_327delTT).
Protein change: p.Phe109fs; shifts the reading frame from phenylalanine 109.
Molecular consequence: frameshift variant.
Genome position (GRCh38, 1-based): chr22:20,987,509-20,987,510, TT deleted; deleting any 2 consecutive bases within chr22:20,987,508-20,987,510 gives the same sequence; the c. name uses the placement nearest the transcript's 3' end. VCF-style (leftmost placement, unchanged base first): chr22-20987507-CTT-C. GRCh37 (hg19) VCF-style: chr22-21341796-CTT-C.
Other names: short protein forms F109fs.
Identifiers: ClinVar variation 2701752 (VCV002701752.3), dbSNP rs1417177018, ClinGen allele CA2697547688.
Genomic context (GRCh38, chr22:20,987,507, plus strand): 5'-GGTGTGGACCTCATGGGTGACCCCCGCTGACTCTCACCACCCCTGTGCCCACCCCAGGGC[CTT>C]TACCACTGGGACCCCACCGGCCCCCCGTTACCACCACTCGGCCGTCGTCTATGGGAGCAG-3'

ClinVar aggregate classification (germline): Pathogenic (1 of 4 stars; one submission).

Submission:

Labcorp Genetics (formerly Invitae), Labcorp
Classification: Pathogenic. Last evaluated: 2023-12-09. Review status: criteria provided, single submitter. Criteria: Invitae Variant Classification Sherloc (09022015). Collection method: clinical testing. Allele origin: germline.
Comment: This sequence change creates a premature translational stop signal (p.Phe109Tyrfs*36) in the LZTR1 gene. It is expected to result in an absent or disrupted protein product. Loss-of-function variants in LZTR1 are known to be pathogenic (PMID: 24362817, 25335493, 25480913, 25795793, 29469822, 30368668, 30442762, 30442766, 30481304, 30859559). This variant is not present in population databases (gnomAD no frequency). This variant has not been reported in the literature in individuals affected with LZTR1-related conditions. For these reasons, this variant has been classified as Pathogenic.

Literature cited by the submitters: PubMed 24362817; PubMed 25335493; PubMed 25480913; PubMed 25795793; PubMed 29469822; PubMed 30368668; PubMed 30442762; PubMed 30442766; PubMed 30481304; PubMed 30859559.